The following is an entry in ClinVar:

ClinVar aggregate classification (germline): Likely pathogenic (1 of 4 stars; one submission).

Conditions:
Tuberous sclerosis 1 (TSC1). Identifiers: Orphanet 805, MedGen C1854465, MONDO:0008612, OMIM 191100.

Submission:

Labcorp Genetics (formerly Invitae), Labcorp
Classification: Likely pathogenic for Tuberous sclerosis 1. Last evaluated: 2019-02-20. Review status: criteria provided, single submitter. Criteria: Invitae Variant Classification Sherloc (09022015). Collection method: clinical testing. Allele origin: germline.
Comment: In summary, the currently available evidence indicates that the variant is pathogenic, but additional data are needed to prove that conclusively. Therefore, this variant has been classified as Likely Pathogenic. Donor and acceptor splice site variants typically lead to a loss of protein function (PMID: 16199547), and loss-of-function variants in TSC1 are known to be pathogenic (PMID: 10227394, 17304050). This variant has not been reported in the literature in individuals with TSC1-related conditions. This variant is not present in population databases (ExAC no frequency). This sequence change affects a donor splice site in intron 21 of the TSC1 gene. It is expected to disrupt RNA splicing and likely results in an absent or disrupted protein product.

Literature cited by the submitters: PubMed 16199547; PubMed 10227394; PubMed 17304050.

NM_000368.5(TSC1):c.2813+2T>G

Gene: TSC1 (TSC complex subunit 1; minus strand). Cytogenetic location: 9q34.13.
Variant type: single nucleotide variant.
Coding change: c.2813+2T>G on transcript NM_000368.5 (MANE Select); the canonical splice donor site of the intron after coding-DNA position 2813, T replaced by G.
Molecular consequence: splice donor variant.
Genome position (GRCh38, 1-based): chr9:132,897,421, A>C on the plus strand (T>G on the coding strand, the complement: TSC1 is on the minus strand). VCF-style: chr9-132897421-A-C. GRCh37 (hg19) VCF-style: chr9-135772808-A-C.
Other names: c.2447+2T>G (NM_001406620.1, NM_001406621.1, NM_001406622.1 and 1 more transcripts); c.2450+2T>G (NM_001406618.1, NM_001406617.1, NM_001406619.1 and 4 more transcripts); c.2405+2T>G (NM_001406625.1); c.2615+2T>G (NM_001406613.1); c.2657+2T>G (NM_001406612.1, NM_001406611.1); c.2660+2T>G (NM_001406610.1, NM_001162427.2); c.1859+2T>G (NM_001406627.1, NM_001406628.1); c.1760+2T>G (NM_001406629.1, NM_001406630.1); and 8 more.
Identifiers: ClinVar variation 845066 (VCV000845066.8), dbSNP rs1845135533, ClinGen allele CA375368967.